The following is an entry in ClinVar:

ClinVar aggregate classification (germline): Uncertain significance (1 of 4 stars; one submission).

Conditions:
Primary ciliary dyskinesia. Also called: Ciliary dyskinesia. Identifiers: Orphanet 244, MedGen C0008780, MONDO:0016575, HP:0012265.

Allele frequency attached by ClinVar (database versions not stated): gnomAD 0.00001.
gnomAD v4.1: 5 of 1,613,890 alleles (0.00031%); highest among the groups gnomAD compares: Non-Finnish European, 0.00042%; no homozygotes.

Submission:

Labcorp Genetics (formerly Invitae), Labcorp
Classification: Uncertain significance for Primary ciliary dyskinesia. Last evaluated: 2022-10-08. Review status: criteria provided, single submitter. Criteria: Invitae Variant Classification Sherloc (09022015). Collection method: clinical testing. Allele origin: germline.
Comment: This variant is not present in population databases (gnomAD no frequency). In summary, the available evidence is currently insufficient to determine the role of this variant in disease. Therefore, it has been classified as a Variant of Uncertain Significance. Advanced modeling of protein sequence and biophysical properties (such as structural, functional, and spatial information, amino acid conservation, physicochemical variation, residue mobility, and thermodynamic stability) performed at Invitae indicates that this missense variant is expected to disrupt DNAAF2 protein function. This variant has not been reported in the literature in individuals affected with DNAAF2-related conditions. This sequence change replaces aspartic acid, which is acidic and polar, with glutamic acid, which is acidic and polar, at codon 530 of the DNAAF2 protein (p.Asp530Glu).

NM_018139.3(DNAAF2):c.1590C>G (p.Asp530Glu)

Gene: DNAAF2 (dynein axonemal assembly factor 2; minus strand). Cytogenetic location: 14q21.3.
Variant type: single nucleotide variant.
Coding change: c.1590C>G on transcript NM_018139.3 (MANE Select); coding-DNA position 1590, C replaced by G.
Protein change: p.Asp530Glu; replaces aspartic acid 530 with glutamic acid.
Molecular consequence: missense variant. On other transcripts: 5 prime UTR variant (1).
Genome position (GRCh38, 1-based): chr14:49,633,560, G>C on the plus strand (C>G on the coding strand, the complement: DNAAF2 is on the minus strand). VCF-style: chr14-49633560-G-C. GRCh37 (hg19) VCF-style: chr14-50100278-G-C.
Other names: c.1590C>G, p.Asp530Glu (NM_001083908.2); c.-282C>G (NM_001378453.1); short protein forms D530E.
Identifiers: ClinVar variation 2166752 (VCV002166752.4), dbSNP rs775386781, ClinGen allele CA389626630.